The following is an entry in ClinVar:

NM_002796.3(PSMB4):c.654G>A (p.Met218Ile)

Gene: PSMB4 (proteasome 20S subunit beta 4; plus strand). Cytogenetic location: 1q21.3.
Variant type: single nucleotide variant.
Coding change: c.654G>A on transcript NM_002796.3 (MANE Select); coding-DNA position 654, G replaced by A.
Protein change: p.Met218Ile; replaces methionine 218 with isoleucine.
Molecular consequence: missense variant.
Genome position (GRCh38, 1-based): chr1:151,401,316, G>A. VCF-style: chr1-151401316-G-A. GRCh37 (hg19) VCF-style: chr1-151373792-G-A.
Other names: short protein forms M218I.
Identifiers: ClinVar variation 1505597 (VCV001505597.8), dbSNP rs200407470, ClinGen allele CA1090740.

ClinVar aggregate classification (germline): Uncertain significance (1 of 4 stars; one submission).

Allele frequency attached by ClinVar (database versions not stated): ExAC 0.00001; gnomAD exomes 0.00004; gnomAD 0.00007 and 0.00008; TOPMed 0.00010.
gnomAD v4.1: 42 of 1,614,028 alleles (0.0026%); highest among the groups gnomAD compares: African/African-American, 0.029%; no homozygotes.

Submission:

Labcorp Genetics (formerly Invitae), Labcorp
Classification: Uncertain significance. Last evaluated: 2025-11-17. Review status: criteria provided, single submitter. Criteria: Invitae Variant Classification Sherloc (09022015). Collection method: clinical testing. Allele origin: germline.
Comment: This sequence change replaces methionine, which is neutral and non-polar, with isoleucine, which is neutral and non-polar, at codon 218 of the PSMB4 protein (p.Met218Ile). This variant is present in population databases (rs200407470, gnomAD 0.03%). This variant has not been reported in the literature in individuals affected with PSMB4-related conditions. ClinVar contains an entry for this variant (Variation ID: 1505597). An algorithm developed to predict the effect of missense changes on protein structure and function (PolyPhen-2) suggests that this variant is likely to be tolerated. In summary, the available evidence is currently insufficient to determine the role of this variant in disease. Therefore, it has been classified as a Variant of Uncertain Significance.